The following is an entry in ClinVar:

ClinVar aggregate classification (germline): Conflicting classifications of pathogenicity. Review status: criteria provided, conflicting classifications (1 of 4 stars). 2 submissions from 2 submitters: Uncertain significance (1); Likely benign (1). Last evaluated 2022-08-07.

Allele frequency attached by ClinVar (database versions not stated): gnomAD exomes below 0.00001 and 0.00001; ExAC 0.00002; gnomAD 0.00002 and 0.00004; TOPMed 0.00003; ESP Exome Variant Server 0.00008.
gnomAD v4.1: 6 of 1,611,076 alleles (0.00037%); highest among the groups gnomAD compares: Middle Eastern, 0.016%; no homozygotes.

Submissions (2):

Labcorp Genetics (formerly Invitae), Labcorp
Classification: Uncertain significance. Last evaluated: 2022-08-07. Review status: criteria provided, single submitter. Criteria: Invitae Variant Classification Sherloc (09022015). Collection method: clinical testing. Allele origin: germline.
Comment: In summary, the available evidence is currently insufficient to determine the role of this variant in disease. Therefore, it has been classified as a Variant of Uncertain Significance. Algorithms developed to predict the effect of missense changes on protein structure and function output the following: SIFT: "Tolerated"; PolyPhen-2: "Benign"; Align-GVGD: "Class C0". The serine amino acid residue is found in multiple mammalian species, which suggests that this missense change does not adversely affect protein function. ClinVar contains an entry for this variant (Variation ID: 667091). This variant has not been reported in the literature in individuals affected with CEP78-related conditions. This variant is present in population databases (rs374257343, gnomAD 0.01%). This sequence change replaces threonine, which is neutral and polar, with serine, which is neutral and polar, at codon 707 of the CEP78 protein (p.Thr707Ser).

Laboratory for Molecular Medicine, Mass General Brigham Personalized Medicine
Classification: Likely benign. Last evaluated: 2018-07-20. Review status: criteria provided, single submitter. Criteria: LMM Criteria. Collection method: clinical testing. Allele origin: germline. Observed: 1 variant allele.
Comment: The p.Thr707Ser variant in CEP78 is classified as likely benign due to a lack of conservation across species, including mammals. Of note, 8 have a Serine (Ser) at this position despite high nearby amino acid conservation. In addition, compu tational prediction tools do not suggest a high likelihood of impact to the prot ein. This variant has been identified in 3/23442 African chromosomes by the Geno me Aggregation Database (gnomAD). ACMG/AMP Cri teria applied: BP4_Strong.

NM_001330691.3(CEP78):c.2107+10C>G

Gene: CEP78 (centrosomal protein 78; plus strand). Cytogenetic location: 9q21.2.
Variant type: single nucleotide variant.
Coding change: c.2107+10C>G on transcript NM_001330691.3 (MANE Select); 10 bases into the intron after coding-DNA position 2107, C replaced by G.
Molecular consequence: intron variant. On other transcripts: missense variant (4).
Genome position (GRCh38, 1-based): chr9:78,266,713, C>G. VCF-style: chr9-78266713-C-G. GRCh37 (hg19) VCF-style: chr9-80881629-C-G.
Other names: c.2120C>G, p.Thr707Ser (NM_001098802.3); c.2069C>G, p.Thr690Ser (NM_001330694.2); c.2117C>G, p.Thr706Ser (NM_001349838.2); c.2072C>G, p.Thr691Ser (NM_032171.3); c.2110+10C>G (NM_001349839.2); c.2062+10C>G (NM_001349840.2); c.2059+10C>G (NM_001330693.3); short protein forms T690S, T707S, T691S, T706S.
Identifiers: ClinVar variation 667091 (VCV000667091.8), dbSNP rs374257343, ClinGen allele CA5095428.